The following is an entry in ClinVar:

NM_000179.3(MSH6):c.2334T>G (p.Leu778=)

Gene: MSH6 (mutS homolog 6; plus strand). Cytogenetic location: 2p16.3.
Variant type: single nucleotide variant.
Coding change: c.2334T>G on transcript NM_000179.3 (MANE Select); coding-DNA position 2334, T replaced by G.
Protein change: p.Leu778=; no amino-acid change (leucine 778 retained).
Molecular consequence: synonymous variant. On other transcripts: non-coding transcript variant (5), intron variant (3).
Genome position (GRCh38, 1-based): chr2:47,800,317, T>G. VCF-style: chr2-47800317-T-G. GRCh37 (hg19) VCF-style: chr2-48027456-T-G.
Other names: c.1944T>G, p.Leu648= (NM_001281492.2); c.1428T>G, p.Leu476= (NM_001281493.2, NM_001281494.2, NM_001406811.1 and 6 more transcripts); c.2430T>G, p.Leu810= (NM_001406795.1, NM_001406802.1); c.2334T>G, p.Leu778= (NM_001406798.1, NM_001406796.1, NM_001406800.1 and 2 more transcripts); c.2037T>G, p.Leu679= (NM_001406797.1, NM_001406801.1, NM_001406805.1 and 10 more transcripts); c.1809T>G, p.Leu603= (NM_001406799.1, NM_001406806.1, NM_001406807.1); c.2256T>G, p.Leu752= (NM_001406804.1); c.2340T>G, p.Leu780= (NM_001406813.1); and 4 more.
Identifiers: ClinVar variation 3071798 (VCV003071798.1), dbSNP rs1057523588, ClinGen allele CA426121481.
Genomic context (GRCh38, chr2:47,800,317, plus strand): 5'-ACTAGAGAGGGTTGATACTTGCCATACTCCTTTTGGTAAGCGGCTCCTAAAGCAATGGCT[T>G]TGTGCCCCACTCTGTAACCATTATGCTATTAATGATCGTCTAGATGCCATAGAAGACCTC-3'
Protein context (NP_000170.1, residues 768-788): PFGKRLLKQW[Leu778=]CAPLCNHYAI

ClinVar aggregate classification (germline): Likely benign (1 of 4 stars; one submission).

Conditions:
Lynch syndrome. Identifiers: Orphanet 144, MedGen C4552100, MONDO:0005835. Disease mechanism: loss of function.

Submission:

All of Us Research Program, National Institutes of Health
Classification: Likely benign for Lynch syndrome. Last evaluated: 2023-06-26. Review status: criteria provided, single submitter. Criteria: ACMG Guidelines, 2015. Collection method: clinical testing. Allele origin: germline. Inheritance: Autosomal dominant inheritance. Observed: 1 variant allele, 1 heterozygote.
Comment: This study involves interpretation of variants in research participants for the purpose of population health screening. Participant phenotype was not available at the time of variant classification. Additional details can be found in publication PMID: 35346344, PMCID: PMC8962531